The following is an entry in ClinVar:

NM_006514.4(SCN10A):c.263C>T (p.Thr88Ile)

Gene: SCN10A (sodium voltage-gated channel alpha subunit 10; minus strand). Cytogenetic location: 3p22.2.
Variant type: single nucleotide variant.
Coding change: c.263C>T on transcript NM_006514.4 (MANE Select); coding-DNA position 263, C replaced by T.
Protein change: p.Thr88Ile; replaces threonine 88 with isoleucine.
Molecular consequence: missense variant.
Genome position (GRCh38, 1-based): chr3:38,793,748, G>A on the plus strand (C>T on the coding strand, the complement: SCN10A is on the minus strand). VCF-style: chr3-38793748-G-A. GRCh37 (hg19) VCF-style: chr3-38835239-G-A.
Other names: c.263C>T, p.Thr88Ile (NM_001293306.2, NM_001293307.2); c.263C>T (NM_006514.2); short protein forms T88I.
Identifiers: ClinVar variation 532123 (VCV000532123.2), dbSNP rs1226072923, ClinGen allele CA352162460.
Genomic context (GRCh38, chr3:38,793,748, plus strand): 5'-CGAGACTTCCTCTCCAAGAGCTGAGAGCAGACATTCCTACTAGTAGCTCTTACCCGGTGT[G>A]TGCTGTAGAACGGATCTAGATCCTCCAGGGGCTCCCCGATCAGTTCTGCTGGGAGCTCAC-3'
Protein context (NP_006505.4, residues 78-98): PLEDLDPFYS[Thr88Ile]HRTFMVLNKG

ClinVar aggregate classification (germline): Uncertain significance. Review status: criteria provided, multiple submitters, no conflicts (2 of 4 stars). 2 submissions from 2 submitters: Uncertain significance (2). Last evaluated 2023-11-03.

Conditions:
Brugada syndrome. Also called: Sudden unexpected nocturnal death syndrome; Sudden Unexplained Death Syndrome; Sudden Unexplained Nocturnal Death Syndrome (SUNDS); Sudden unexplained nocturnal death syndrome. Identifiers: Orphanet 130, MedGen C1142166, MONDO:0015263.

Submissions (2):

GeneDx
Classification: Uncertain significance. Last evaluated: 2023-11-03. Review status: criteria provided, single submitter. Criteria: GeneDx Variant Classification Process June 2021. Collection method: clinical testing. Allele origin: germline. Affected: yes.
Comment: Not observed at significant frequency in large population cohorts (gnomAD); In silico analysis supports that this missense variant has a deleterious effect on protein structure/function; Has not been previously published as pathogenic or benign to our knowledge

Labcorp Genetics (formerly Invitae), Labcorp
Classification: Uncertain significance for Brugada syndrome. Last evaluated: 2017-09-26. Review status: criteria provided, single submitter. Criteria: Invitae Variant Classification Sherloc (09022015). Collection method: clinical testing. Allele origin: germline.
Comment: This sequence change replaces threonine with isoleucine at codon 88 of the SCN10A protein (p.Thr88Ile). The threonine residue is moderately conserved and there is a moderate physicochemical difference between threonine and isoleucine. This variant is not present in population databases (ExAC no frequency). This variant has not been reported in the literature in individuals with SCN10A-related disease. Algorithms developed to predict the effect of missense changes on protein structure and function do not agree on the potential impact of this missense change (SIFT: "Deleterious"; PolyPhen-2: "Benign"; Align-GVGD: "Class C15"). In summary, the available evidence is currently insufficient to determine the role of this variant in disease. Therefore, it has been classified as a Variant of Uncertain Significance.